The following is an entry in ClinVar:

NM_031466.8(TRAPPC9):c.-249C>T

Gene: TRAPPC9 (trafficking protein particle complex subunit 9; minus strand). Cytogenetic location: 8q24.3.
Variant type: single nucleotide variant.
Coding change: c.-249C>T on transcript NM_031466.8; 249 bases upstream of the start codon, C replaced by T.
Molecular consequence: 5 prime UTR variant.
Genome position (GRCh38, 1-based): chr8:140,458,519, G>A on the plus strand (C>T on the coding strand, the complement: TRAPPC9 is on the minus strand). VCF-style: chr8-140458519-G-A. GRCh37 (hg19) VCF-style: chr8-141468618-G-A.
Identifiers: ClinVar variation 1031466 (VCV001031466.3), dbSNP rs1446002001, ClinGen allele CA372321330.

ClinVar aggregate classification (germline): Uncertain significance (1 of 4 stars; one submission).

Conditions:
Intellectual developmental disorder, autosomal recessive 13. Also called: Intellectual disability, autosomal recessive 13. Identifiers: Orphanet 88616, MedGen C2750791, MONDO:0013173, OMIM 613192.

Allele frequency attached by ClinVar (database versions not stated): gnomAD exomes 0.00002.
gnomAD v4.1: 16 of 1,583,312 alleles (0.001%); highest among the groups gnomAD compares: Non-Finnish European, 0.0013%; no homozygotes.

Submission:

Baylor Genetics
Classification: Uncertain significance for Intellectual developmental disorder, autosomal recessive 13. Last evaluated: 2018-07-13. Review status: criteria provided, single submitter. Criteria: ACMG Guidelines, 2015. Collection method: clinical testing. Allele origin: unknown. Affected: yes.
Comment: This variant was determined to be of uncertain significance according to ACMG Guidelines, 2015 [PMID:25741868].